The following is an entry in ClinVar:

NM_006267.5(RANBP2):c.1043G>T (p.Cys348Phe)

Gene: RANBP2 (RAN binding protein 2; plus strand). Cytogenetic location: 2q13.
Variant type: single nucleotide variant.
Coding change: c.1043G>T on transcript NM_006267.5 (MANE Select); coding-DNA position 1043, G replaced by T.
Protein change: p.Cys348Phe; replaces cysteine 348 with phenylalanine.
Molecular consequence: missense variant.
Genome position (GRCh38, 1-based): chr2:108,746,778, G>T. VCF-style: chr2-108746778-G-T. GRCh37 (hg19) VCF-style: chr2-109363234-G-T.
Other names: short protein forms C348F.
Identifiers: ClinVar variation 649260 (VCV000649260.7), dbSNP rs1252035467, ClinGen allele CA348046310.
Genomic context (GRCh38, chr2:108,746,778, plus strand): 5'-GACCAAAGATTAAATTAATAAAAGGTGAAGCTGGACAAAATCTGCTGGAAATGATGGCCT[G>T]TGACCGACTGAGCCAATCAGGTAATAGTAATATTAAACTAATTTAATTTAAAAAGAAAAA-3'
Protein context (NP_006258.3, residues 338-358): AGQNLLEMMA[Cys348Phe]DRLSQSGHML

ClinVar aggregate classification (germline): Uncertain significance. Review status: criteria provided, multiple submitters, no conflicts (2 of 4 stars). 2 submissions from 2 submitters: Uncertain significance (2). Last evaluated 2025-06-04.

Conditions:
Familial acute necrotizing encephalopathy (IIAE3). Also called: Susceptibility to Acute Necrotizing Encephalopathy 1; ENCEPHALOPATHY, ACUTE, INFECTION-INDUCED, SUSCEPTIBILITY TO, 3. Identifiers: Orphanet 88619, MedGen C2675556, MONDO:0011953, OMIM 608033.

Allele frequency attached by ClinVar (database versions not stated): gnomAD exomes below 0.00001; gnomAD 0.00001; TOPMed 0.00002.

Submissions (2):

GeneDx
Classification: Uncertain significance. Last evaluated: 2025-06-04. Review status: criteria provided, single submitter. Criteria: GeneDx Variant Classification Process June 2021. Collection method: clinical testing. Allele origin: germline. Affected: yes.
Comment: Not observed at significant frequency in large population cohorts (gnomAD); In silico analysis supports that this missense variant has a deleterious effect on protein structure/function; Has not been previously published as pathogenic or benign to our knowledge

Labcorp Genetics (formerly Invitae), Labcorp
Classification: Uncertain significance for Familial acute necrotizing encephalopathy. Last evaluated: 2022-03-19. Review status: criteria provided, single submitter. Criteria: Invitae Variant Classification Sherloc (09022015). Collection method: clinical testing. Allele origin: germline.
Comment: This variant is not present in population databases (gnomAD no frequency). In summary, the available evidence is currently insufficient to determine the role of this variant in disease. Therefore, it has been classified as a Variant of Uncertain Significance. Algorithms developed to predict the effect of missense changes on protein structure and function output the following: SIFT: "Tolerated"; PolyPhen-2: "Benign"; Align-GVGD: "Class C0". The phenylalanine amino acid residue is found in multiple mammalian species, which suggests that this missense change does not adversely affect protein function. ClinVar contains an entry for this variant (Variation ID: 649260). This variant has not been reported in the literature in individuals affected with RANBP2-related conditions. This sequence change replaces cysteine, which is neutral and slightly polar, with phenylalanine, which is neutral and non-polar, at codon 348 of the RANBP2 protein (p.Cys348Phe).